The following is an entry in ClinVar:

NM_000215.4(JAK3):c.2350+1G>C

Gene: JAK3 (Janus kinase 3; minus strand). Cytogenetic location: 19p13.11.
Variant type: single nucleotide variant.
Coding change: c.2350+1G>C on transcript NM_000215.4 (MANE Select); the canonical splice donor site of the intron after coding-DNA position 2350, G replaced by C.
Molecular consequence: splice donor variant.
Genome position (GRCh38, 1-based): chr19:17,834,570, C>G on the plus strand (G>C on the coding strand, the complement: JAK3 is on the minus strand). VCF-style: chr19-17834570-C-G. GRCh37 (hg19) VCF-style: chr19-17945379-C-G.
Identifiers: ClinVar variation 2865417 (VCV002865417.3), dbSNP rs2147681264, ClinGen allele CA404767239.

ClinVar aggregate classification (germline): Likely pathogenic (1 of 4 stars; one submission).

Conditions:
T-B+ severe combined immunodeficiency due to JAK3 deficiency. Also called: SCID, T CELL-NEGATIVE, B CELL-POSITIVE, NK CELL-NEGATIVE; SCID, autosomal recessive, T-negative/B-positive type. Identifiers: Orphanet 35078, MedGen C1833275, MONDO:0010938, OMIM 600802.

Submission:

Labcorp Genetics (formerly Invitae), Labcorp
Classification: Likely pathogenic for T-B+ severe combined immunodeficiency due to JAK3 deficiency. Last evaluated: 2023-11-13. Review status: criteria provided, single submitter. Criteria: Invitae Variant Classification Sherloc (09022015). Collection method: clinical testing. Allele origin: germline.
Comment: This sequence change affects a donor splice site in intron 17 of the JAK3 gene. It is expected to disrupt RNA splicing. Variants that disrupt the donor or acceptor splice site typically lead to a loss of protein function (PMID: 16199547), and loss-of-function variants in JAK3 are known to be pathogenic (PMID: 7481768, 11668621). This variant is not present in population databases (gnomAD no frequency). This variant has not been reported in the literature in individuals affected with JAK3-related conditions. Algorithms developed to predict the effect of sequence changes on RNA splicing suggest that this variant may disrupt the consensus splice site. In summary, the currently available evidence indicates that the variant is pathogenic, but additional data are needed to prove that conclusively. Therefore, this variant has been classified as Likely Pathogenic.

Literature cited by the submitters: PubMed 16199547; PubMed 7481768; PubMed 11668621.